The following is an entry in ClinVar:

NM_003128.3(SPTBN1):c.546G>T (p.Trp182Cys)

Gene: SPTBN1 (spectrin beta, non-erythrocytic 1; plus strand). Cytogenetic location: 2p16.2.
Variant type: single nucleotide variant.
Coding change: c.546G>T on transcript NM_003128.3 (MANE Select); coding-DNA position 546, G replaced by T.
Protein change: p.Trp182Cys; replaces tryptophan 182 with cysteine.
Molecular consequence: missense variant.
Genome position (GRCh38, 1-based): chr2:54,616,278, G>T. VCF-style: chr2-54616278-G-T. GRCh37 (hg19) VCF-style: chr2-54843415-G-T.
Other names: c.507G>T, p.Trp169Cys (NM_178313.3); short protein forms W169C, W182C.
Identifiers: ClinVar variation 1708675 (VCV001708675.4), dbSNP rs2549502760, ClinGen allele CA346861481.

ClinVar aggregate classification (germline): Uncertain significance (1 of 4 stars; one submission).

Submission:

GeneDx
Classification: Uncertain significance. Last evaluated: 2024-10-02. Review status: criteria provided, single submitter. Criteria: GeneDx Variant Classification Process June 2021. Collection method: clinical testing. Allele origin: germline. Affected: yes.
Comment: Not observed at significant frequency in large population cohorts (gnomAD); In silico analysis supports that this missense variant has a deleterious effect on protein structure/function; Has not been previously published as pathogenic or benign to our knowledge